The following is an entry in ClinVar:

ClinVar aggregate classification (germline): Pathogenic/Likely pathogenic. Review status: criteria provided, multiple submitters, no conflicts (2 of 4 stars). 2 submissions from 2 submitters: Pathogenic (1); Likely pathogenic (1). Last evaluated 2024-04-03.

Conditions:
Familial cancer of breast. Also called: BREAST CANCER, FAMILIAL; Hereditary breast cancer; hereditary breast carcinoma. Identifiers: Orphanet 227535, MedGen C0346153, MONDO:0016419, OMIM 114480. Disease mechanism: loss of function.
Ataxia-telangiectasia syndrome (AT). Also called: Cerebello-oculocutaneous telangiectasia; Immunodeficiency with ataxia telangiectasia; LOUIS-BAR SYNDROME; ATAXIA-TELANGIECTASIA, COMPLEMENTATION GROUP A; ATAXIA-TELANGIECTASIA, FRESNO VARIANT; Ataxia-telangiectasia, complementation group D. Identifiers: Orphanet 100, MedGen C0004135, MONDO:0008840, OMIM 208900.

Submissions (2):

Labcorp Genetics (formerly Invitae), Labcorp
Classification: Pathogenic for Ataxia-telangiectasia syndrome. Last evaluated: 2024-04-03. Review status: criteria provided, single submitter. Criteria: Invitae Variant Classification Sherloc (09022015). Collection method: clinical testing. Allele origin: germline.
Comment: This sequence change affects an acceptor splice site in intron 20 of the ATM gene. It is expected to disrupt RNA splicing. Variants that disrupt the donor or acceptor splice site typically lead to a loss of protein function (PMID: 16199547), and loss-of-function variants in ATM are known to be pathogenic (PMID: 23807571, 25614872). This variant is not present in population databases (gnomAD no frequency). Disruption of this splice site has been observed in individual(s) with ataxia-telangiectasia (PMID: 10234507). In at least one individual the data is consistent with being in trans (on the opposite chromosome) from a pathogenic variant. ClinVar contains an entry for this variant (Variation ID: 1381412). Algorithms developed to predict the effect of sequence changes on RNA splicing suggest that this variant may disrupt the consensus splice site. For these reasons, this variant has been classified as Pathogenic.

Myriad Genetics, Inc.
Classification: Likely pathogenic for Familial cancer of breast. Last evaluated: 2024-01-18. Review status: criteria provided, single submitter. Criteria: Myriad Autosomal Dominant, Autosomal Recessive and X-Linked Classification Criteria (2023). Collection method: clinical testing. Allele origin: unknown.
Comment: This variant is considered likely pathogenic. This variant occurs within a consensus splice junction and is predicted to result in abnormal mRNA splicing of either an out-of-frame exon or an in-frame exon necessary for protein stability and/or normal function.

Literature cited by the submitters: PubMed 16199547 (cited by Labcorp Genetics (formerly Invitae), Labcorp); PubMed 23807571 (cited by Labcorp Genetics (formerly Invitae), Labcorp); PubMed 25614872 (cited by Labcorp Genetics (formerly Invitae), Labcorp); PubMed 10234507 (cited by Labcorp Genetics (formerly Invitae), Labcorp).

NM_000051.4(ATM):c.3078-2A>C

Gene: ATM (ATM serine/threonine kinase; plus strand). Cytogenetic location: 11q22.3.
Variant type: single nucleotide variant.
Coding change: c.3078-2A>C on transcript NM_000051.4 (MANE Select); the canonical splice acceptor site of the intron before coding-DNA position 3078, A replaced by C.
Molecular consequence: splice acceptor variant.
Genome position (GRCh38, 1-based): chr11:108,272,530, A>C. VCF-style: chr11-108272530-A-C. GRCh37 (hg19) VCF-style: chr11-108143257-A-C.
Other names: c.3078-2A>C (NM_001351834.2).
Identifiers: ClinVar variation 1381412 (VCV001381412.9), dbSNP rs2135564916, ClinGen allele CA382514965.